The following is an entry in ClinVar:

ClinVar aggregate classification (germline): Conflicting classifications of pathogenicity. Review status: criteria provided, conflicting classifications (1 of 4 stars). 2 submissions from 2 submitters: Uncertain significance (1); Likely benign (1). Last evaluated 2016-12-07.

Conditions:
Maturity-onset diabetes of the young (MODY). Also called: Maturity onset diabetes mellitus in young. Identifiers: Orphanet 552, MedGen C0342276, MONDO:0018911, HP:0004904.

Submissions (2):

Eurofins Ntd Llc (ga)
Classification: Uncertain significance. Last evaluated: 2016-12-07. Review status: criteria provided, single submitter. Criteria: EGL Classification Definitions 2015. Collection method: clinical testing. Allele origin: germline. Observed: 1 variant allele, 1 heterozygote.

Clinical Genomics, Uppaluri K&H Personalized Medicine Clinic
Classification: Likely benign for Maturity-onset diabetes of the young. Review status: criteria provided, single submitter. Criteria: K & H Uppaluri Personalized Medicine Clinic Variant Classification & Assertion Criteria_Updated V.1. Collection method: research. Allele origin: unknown. Inheritance: Autosomal dominant inheritance.
Comment: HNF1B gene mutations are associated with early onset diabetes and pancreatic atrophy. It is also associated with multiple renal manifestations including renal cysts, Tubulointerstitial disease, glomerulocystic disease, renal hypoplasia, hypomagnesemia. However no sufficient evidence is found to ascertain the role of this particular variant rs1555831433, yet.

Literature cited by the submitters: PubMed 24897035 (cited by Clinical Genomics, Uppaluri K&H Personalized Medicine Clinic); PubMed 25536396 (cited by Clinical Genomics, Uppaluri K&H Personalized Medicine Clinic); PubMed 27615128 (cited by Clinical Genomics, Uppaluri K&H Personalized Medicine Clinic); PubMed 28215227 (cited by Clinical Genomics, Uppaluri K&H Personalized Medicine Clinic); PubMed 33434175 (cited by Clinical Genomics, Uppaluri K&H Personalized Medicine Clinic); PubMed 25741167 (cited by Clinical Genomics, Uppaluri K&H Personalized Medicine Clinic); PubMed 26340261 (cited by Clinical Genomics, Uppaluri K&H Personalized Medicine Clinic); PubMed 19639018 (cited by Clinical Genomics, Uppaluri K&H Personalized Medicine Clinic).

NM_000458.4(HNF1B):c.402C>T (p.Ile134=)

Gene: HNF1B (HNF1 homeobox B; minus strand). Cytogenetic location: 17q12.
Variant type: single nucleotide variant.
Coding change: c.402C>T on transcript NM_000458.4 (MANE Select); coding-DNA position 402, C replaced by T.
Protein change: p.Ile134=; no amino-acid change (isoleucine 134 retained).
Molecular consequence: synonymous variant.
Genome position (GRCh38, 1-based): chr17:37,739,582, G>A on the plus strand (C>T on the coding strand, the complement: HNF1B is on the minus strand). VCF-style: chr17-37739582-G-A. GRCh37 (hg19) VCF-style: chr17-36099573-G-A.
Other names: c.402C>T, p.Ile134= (NM_001165923.4, NM_001304286.2).
Identifiers: ClinVar variation 499124 (VCV000499124.6), dbSNP rs1555831433, ClinGen allele CA499603965.